The following is an entry in ClinVar:

ClinVar aggregate classification (germline): Uncertain significance (1 of 4 stars; one submission).

gnomAD v4.1: 1 of 1,613,474 alleles (0.000062%); highest among the groups gnomAD compares: South Asian, 0.0011%; no homozygotes.

Submission:

Labcorp Genetics (formerly Invitae), Labcorp
Classification: Uncertain significance. Last evaluated: 2022-05-25. Review status: criteria provided, single submitter. Criteria: Invitae Variant Classification Sherloc (09022015). Collection method: clinical testing. Allele origin: germline.
Comment: This variant is present in population databases (rs781131220, gnomAD 0.003%). This sequence change replaces serine, which is neutral and polar, with glycine, which is neutral and non-polar, at codon 714 of the SAMD9L protein (p.Ser714Gly). This variant has not been reported in the literature in individuals affected with SAMD9L-related conditions. In summary, the available evidence is currently insufficient to determine the role of this variant in disease. Therefore, it has been classified as a Variant of Uncertain Significance. Algorithms developed to predict the effect of missense changes on protein structure and function output the following: SIFT: "Not Available"; PolyPhen-2: "Benign"; Align-GVGD: "Not Available". The glycine amino acid residue is found in multiple mammalian species, which suggests that this missense change does not adversely affect protein function.

NM_152703.5(SAMD9L):c.2140A>G (p.Ser714Gly)

Gene: SAMD9L (sterile alpha motif domain containing 9 like; minus strand). Cytogenetic location: 7q21.2.
Variant type: single nucleotide variant.
Coding change: c.2140A>G on transcript NM_152703.5 (MANE Select); coding-DNA position 2140, A replaced by G.
Protein change: p.Ser714Gly; replaces serine 714 with glycine.
Molecular consequence: missense variant.
Genome position (GRCh38, 1-based): chr7:93,133,832, T>C on the plus strand (A>G on the coding strand, the complement: SAMD9L is on the minus strand). VCF-style: chr7-93133832-T-C. GRCh37 (hg19) VCF-style: chr7-92763145-T-C.
Other names: c.2140A>G, p.Ser714Gly (NM_001303496.3, NM_001303497.3, NM_001303498.3 and 5 more transcripts); short protein forms S714G.
Identifiers: ClinVar variation 1998823 (VCV001998823.4), dbSNP rs781131220, ClinGen allele CA4343630.